The following is an entry in ClinVar:

NM_001127496.3(SPRY4):c.-47-4618G>A

Gene: SPRY4 (sprouty RTK signaling antagonist 4; minus strand). Cytogenetic location: 5q31.3.
Variant type: single nucleotide variant.
Coding change: c.-47-4618G>A on transcript NM_001127496.3 (MANE Select); 4618 bases into the intron before 47 bases upstream of the start codon, G replaced by A.
Molecular consequence: intron variant. On other transcripts: 5 prime UTR variant (2).
Genome position (GRCh38, 1-based): chr5:142,319,773, C>T on the plus strand (G>A on the coding strand, the complement: SPRY4 is on the minus strand). VCF-style: chr5-142319773-C-T. GRCh37 (hg19) VCF-style: chr5-141699338-C-T.
Other names: c.-88G>A (NM_001293289.3); c.-8G>A (NM_030964.5); c.-48+4117G>A (NM_001293290.3).
Identifiers: ClinVar variation 3042503 (VCV003042503.2), dbSNP rs200241261, ClinGen allele CA3485679.

ClinVar aggregate classification (germline): Likely benign (0 of 4 stars; one submission).

Conditions:
SPRY4-related disorder. Also called: SPRY4-related condition.

Allele frequency attached by ClinVar (database versions not stated): gnomAD 0.00061; ESP Exome Variant Server 0.00062; TOPMed 0.00068; ExAC 0.00070; gnomAD exomes 0.00125.
gnomAD v4.1: 1,890 of 1,612,096 alleles (0.12%); highest among the groups gnomAD compares: Non-Finnish European, 0.15%; 6 homozygotes.

Submission:

PreventionGenetics, part of Exact Sciences
Classification: Likely benign for SPRY4-related condition. Last evaluated: 2019-03-08. Review status: no assertion criteria provided. Collection method: clinical testing. Allele origin: germline.
Comment: This variant is classified as likely benign based on ACMG/AMP sequence variant interpretation guidelines (Richards et al. 2015 PMID: 25741868, with internal and published modifications).